The following is an entry in ClinVar:

NM_000492.4(CFTR):c.1340A>G (p.Lys447Arg)

Genes: CFTR (CF transmembrane conductance regulator; plus strand), CFTR-AS1 (CFTR antisense RNA 1; minus strand). Cytogenetic location: 7q31.2.
Variant type: single nucleotide variant.
Coding change: c.1340A>G on transcript NM_000492.4 (MANE Select); coding-DNA position 1340, A replaced by G.
Protein change: p.Lys447Arg; replaces lysine 447 with arginine.
Molecular consequence: missense variant.
Genome position (GRCh38, 1-based): chr7:117,548,771, A>G. VCF-style: chr7-117548771-A-G. GRCh37 (hg19) VCF-style: chr7-117188825-A-G.
Other names: c.1340A>G (NM_000492.3); short protein forms K447R.
Identifiers: ClinVar variation 1476298 (VCV001476298.9), dbSNP rs746941790, ClinGen allele CA4450976.

ClinVar aggregate classification (germline): Uncertain significance. Review status: criteria provided, multiple submitters, no conflicts (2 of 4 stars). 2 submissions from 2 submitters: Uncertain significance (2). Last evaluated 2023-11-20.

Conditions:
Cystic fibrosis (CF). Also called: MUCOVISCIDOSIS. Identifiers: Orphanet 586, MedGen C0010674, MONDO:0009061, OMIM 219700. Disease mechanism: loss of function.

Allele frequency attached by ClinVar (database versions not stated): gnomAD exomes 0.00002 and 0.00001; gnomAD 0.00001; TOPMed 0.00001; ExAC 0.00002.
gnomAD v4.1: 4 of 1,612,592 alleles (0.00025%); highest among the groups gnomAD compares: Non-Finnish European, 0.00034%; no homozygotes.

Submissions (2):

Labcorp Genetics (formerly Invitae), Labcorp
Classification: Uncertain significance for Cystic fibrosis. Last evaluated: 2023-11-20. Review status: criteria provided, single submitter. Criteria: Invitae Variant Classification Sherloc (09022015). Collection method: clinical testing. Allele origin: germline.
Comment: This sequence change replaces lysine, which is basic and polar, with arginine, which is basic and polar, at codon 447 of the CFTR protein (p.Lys447Arg). The frequency data for this variant in the population databases is considered unreliable, as metrics indicate poor data quality at this position in the gnomAD database. This variant has not been reported in the literature in individuals affected with CFTR-related conditions. ClinVar contains an entry for this variant (Variation ID: 1476298). Advanced modeling of protein sequence and biophysical properties (such as structural, functional, and spatial information, amino acid conservation, physicochemical variation, residue mobility, and thermodynamic stability) performed at Invitae indicates that this missense variant is not expected to disrupt CFTR protein function with a negative predictive value of 80%. In summary, the available evidence is currently insufficient to determine the role of this variant in disease. Therefore, it has been classified as a Variant of Uncertain Significance.

Ambry Genetics
Classification: Uncertain significance for Cystic fibrosis. Last evaluated: 2023-10-25. Review status: criteria provided, single submitter. Criteria: Ambry Variant Classification Scheme 2023. Collection method: clinical testing. Allele origin: germline.
Comment: The p.K447R variant (also known as c.1340A>G), located in coding exon 10 of the CFTR gene, results from an A to G substitution at nucleotide position 1340. The lysine at codon 447 is replaced by arginine, an amino acid with highly similar properties. This amino acid position is not well conserved in available vertebrate species. In addition, the in silico prediction for this alteration is inconclusive. Since supporting evidence is limited at this time, the clinical significance of this alteration remains unclear.